The following is an entry in ClinVar:

ClinVar aggregate classification (germline): Uncertain significance (1 of 4 stars; one submission).

Conditions:
Deficiency of adenosine deaminase 2. Also called: Polyarteritis nodosa, childhoood-onset; Adenosine Deaminase 2 Deficiency; VASCULITIS, AUTOINFLAMMATION, IMMUNODEFICIENCY, AND HEMATOLOGIC DEFECTS SYNDROME. Identifiers: Orphanet 404553, MedGen C3887654, MONDO:0014306, OMIM 615688, MONDO:0100317.

Allele frequency attached by ClinVar (database versions not stated): gnomAD exomes below 0.00001 and 0.00001; TOPMed below 0.00001.

Submission:

Labcorp Genetics (formerly Invitae), Labcorp
Classification: Uncertain significance for Deficiency of adenosine deaminase 2. Last evaluated: 2020-01-24. Review status: criteria provided, single submitter. Criteria: Invitae Variant Classification Sherloc (09022015). Collection method: clinical testing. Allele origin: germline.
Comment: In summary, the available evidence is currently insufficient to determine the role of this variant in disease. Therefore, it has been classified as a Variant of Uncertain Significance. Algorithms developed to predict the effect of sequence changes on RNA splicing suggest that this variant may create or strengthen a splice site, but this prediction has not been confirmed by published transcriptional studies. Algorithms developed to predict the effect of missense changes on protein structure and function are either unavailable or do not agree on the potential impact of this missense change (SIFT: "Deleterious"; PolyPhen-2: "Probably Damaging"; Align-GVGD: "Class C0"). This variant has not been reported in the literature in individuals with ADA2-related conditions. This variant is not present in population databases (ExAC no frequency). This sequence change replaces tyrosine with cysteine at codon 253 of the ADA2 protein (p.Tyr253Cys). The tyrosine residue is highly conserved and there is a large physicochemical difference between tyrosine and cysteine.

NM_001282225.2(ADA2):c.758A>G (p.Tyr253Cys)

Gene: ADA2 (adenosine deaminase 2; minus strand). Cytogenetic location: 22q11.1.
Variant type: single nucleotide variant.
Coding change: c.758A>G on transcript NM_001282225.2 (MANE Select); coding-DNA position 758, A replaced by G.
Protein change: p.Tyr253Cys; replaces tyrosine 253 with cysteine.
Molecular consequence: missense variant.
Genome position (GRCh38, 1-based): chr22:17,191,806, T>C on the plus strand (A>G on the coding strand, the complement: ADA2 is on the minus strand). VCF-style: chr22-17191806-T-C. GRCh37 (hg19) VCF-style: chr22-17672696-T-C.
Other names: c.758A>G, p.Tyr253Cys (NM_001282226.2); c.632A>G, p.Tyr211Cys (NM_001282227.2, NM_001282228.2); c.398A>G, p.Tyr133Cys (NM_001282229.2); c.35A>G, p.Tyr12Cys (NM_177405.3); short protein forms Y12C, Y133C, Y211C, Y253C.
Identifiers: ClinVar variation 847606 (VCV000847606.10), dbSNP rs1465951724, ClinGen allele CA410225967.